The following is an entry in ClinVar:

NM_199420.4(POLQ):c.3973G>A (p.Asp1325Asn)

Gene: POLQ (DNA polymerase theta; minus strand). Cytogenetic location: 3q13.33.
Variant type: single nucleotide variant.
Coding change: c.3973G>A on transcript NM_199420.4 (MANE Select); coding-DNA position 3973, G replaced by A.
Protein change: p.Asp1325Asn; replaces aspartic acid 1325 with asparagine.
Molecular consequence: missense variant.
Genome position (GRCh38, 1-based): chr3:121,488,958, C>T on the plus strand (G>A on the coding strand, the complement: POLQ is on the minus strand). VCF-style: chr3-121488958-C-T. GRCh37 (hg19) VCF-style: chr3-121207805-C-T.
Other names: short protein forms D1325N.
Identifiers: ClinVar variation 2449006 (VCV002449006.2), dbSNP rs2546786555, ClinGen allele CA354096519.

ClinVar aggregate classification (germline): Uncertain significance (1 of 4 stars; one submission).

Submission:

Ambry Genetics
Classification: Uncertain significance. Last evaluated: 2023-02-12. Review status: criteria provided, single submitter. Criteria: Ambry Variant Classification Scheme 2023. Collection method: clinical testing. Allele origin: germline.
Comment: The p.D1325N variant (also known as c.3973G>A), located in coding exon 16 of the POLQ gene, results from a G to A substitution at nucleotide position 3973. The aspartic acid at codon 1325 is replaced by asparagine, an amino acid with highly similar properties. This amino acid position is conserved. In addition, this alteration is predicted to be tolerated by in silico analysis. Since supporting evidence is limited at this time, the clinical significance of this alteration remains unclear.